The following is an entry in ClinVar:

NM_000245.4(MET):c.3098C>T (p.Pro1033Leu)

Gene: MET (MET proto-oncogene, receptor tyrosine kinase; plus strand). Cytogenetic location: 7q31.2.
Variant type: single nucleotide variant.
Coding change: c.3098C>T on transcript NM_000245.4 (MANE Select); coding-DNA position 3098, C replaced by T.
Protein change: p.Pro1033Leu; replaces proline 1033 with leucine.
Molecular consequence: missense variant.
Genome position (GRCh38, 1-based): chr7:116,774,950, C>T. VCF-style: chr7-116774950-C-T. GRCh37 (hg19) VCF-style: chr7-116415004-C-T.
Other names: c.3152C>T, p.Pro1051Leu (NM_001127500.3); c.1808C>T, p.Pro603Leu (NM_001324402.2); short protein forms P1033L, P1051L, P603L.
Identifiers: ClinVar variation 1695624 (VCV001695624.2), dbSNP rs2117030380, ClinGen allele CA368988092.

ClinVar aggregate classification (germline): Uncertain significance (1 of 4 stars; one submission).

Submission:

GeneDx
Classification: Uncertain significance. Last evaluated: 2022-01-07. Review status: criteria provided, single submitter. Criteria: GeneDx Variant Classification Process June 2021. Collection method: clinical testing. Allele origin: germline. Affected: yes.
Comment: Not observed at significant frequency in large population cohorts (gnomAD); In silico analysis supports that this missense variant has a deleterious effect on protein structure/function; Has not been previously published as pathogenic or benign to our knowledge